The following is an entry in ClinVar:

NM_198525.3(KIF7):c.1358C>T (p.Ala453Val)

Gene: KIF7 (kinesin family member 7; minus strand). Cytogenetic location: 15q26.1.
Variant type: single nucleotide variant.
Coding change: c.1358C>T on transcript NM_198525.3 (MANE Select); coding-DNA position 1358, C replaced by T.
Protein change: p.Ala453Val; replaces alanine 453 with valine.
Molecular consequence: missense variant.
Genome position (GRCh38, 1-based): chr15:89,648,340, G>A on the plus strand (C>T on the coding strand, the complement: KIF7 is on the minus strand). VCF-style: chr15-89648340-G-A. GRCh37 (hg19) VCF-style: chr15-90191571-G-A.
Other names: short protein forms A453V.
Identifiers: ClinVar variation 317366 (VCV000317366.8), dbSNP rs886051532, ClinGen allele CA10642686.

ClinVar aggregate classification (germline): Uncertain significance. Review status: criteria provided, multiple submitters, no conflicts (2 of 4 stars). 3 submissions from 3 submitters: Uncertain significance (3). Last evaluated 2024-09-10.

Conditions:
Inborn genetic diseases. Identifiers: MedGen C0950123, MeSH D030342.
Acrocallosal syndrome (ACLS). Also called: HALLUX DUPLICATION, POSTAXIAL POLYDACTYLY, AND ABSENCE OF CORPUS CALLOSUM; Schinzel syndrome 1; Absence of corpus callosum with unusual facial appearance, mental deficiency, duplication of the halluces and polydactyly. Identifiers: Orphanet 36, MedGen C0796147, MONDO:0008708, OMIM 200990.

Allele frequency attached by ClinVar (database versions not stated): TOPMed 0.00001.
gnomAD v4.1: 22 of 1,483,232 alleles (0.0015%); highest among the groups gnomAD compares: Non-Finnish European, 0.002%; no homozygotes.

Submissions (3):

Ambry Genetics
Classification: Uncertain significance for Inborn genetic diseases. Last evaluated: 2024-09-10. Review status: criteria provided, single submitter. Criteria: Ambry Variant Classification Scheme 2023. Collection method: clinical testing. Allele origin: germline.

Labcorp Genetics (formerly Invitae), Labcorp
Classification: Uncertain significance for Acrocallosal syndrome. Last evaluated: 2022-04-01. Review status: criteria provided, single submitter. Criteria: Invitae Variant Classification Sherloc (09022015). Collection method: clinical testing. Allele origin: germline.
Comment: In summary, the available evidence is currently insufficient to determine the role of this variant in disease. Therefore, it has been classified as a Variant of Uncertain Significance. Algorithms developed to predict the effect of missense changes on protein structure and function (SIFT, PolyPhen-2, Align-GVGD) all suggest that this variant is likely to be tolerated. ClinVar contains an entry for this variant (Variation ID: 317366). This variant has not been reported in the literature in individuals affected with KIF7-related conditions. The frequency data for this variant in the population databases is considered unreliable, as metrics indicate poor data quality at this position in the gnomAD database. This sequence change replaces alanine, which is neutral and non-polar, with valine, which is neutral and non-polar, at codon 453 of the KIF7 protein (p.Ala453Val).

Illumina Laboratory Services, Illumina
Classification: Uncertain significance for Acrocallosal syndrome. Last evaluated: 2018-01-13. Review status: criteria provided, single submitter. Criteria: ICSL Variant Classification Criteria 13 December 2019. Collection method: clinical testing. Allele origin: germline.